The following is an entry in ClinVar:

NM_005228.5(EGFR):c.987C>T (p.Cys329=)

Gene: EGFR (epidermal growth factor receptor; plus strand). Cytogenetic location: 7p11.2.
Variant type: single nucleotide variant.
Coding change: c.987C>T on transcript NM_005228.5 (MANE Select); coding-DNA position 987, C replaced by T.
Protein change: p.Cys329=; no amino-acid change (cysteine 329 retained).
Molecular consequence: synonymous variant.
Genome position (GRCh38, 1-based): chr7:55,155,927, C>T. VCF-style: chr7-55155927-C-T. GRCh37 (hg19) VCF-style: chr7-55223620-C-T.
Other names: c.852C>T, p.Cys284= (NM_001346897.2, NM_001346899.2); c.987C>T, p.Cys329= (NM_001346898.2, NM_201282.2, NM_201283.2 and 1 more transcripts); c.828C>T, p.Cys276= (NM_001346900.2); c.186C>T, p.Cys62= (NM_001346941.2).
Identifiers: ClinVar variation 2954657 (VCV002954657.4), dbSNP rs748801348, ClinGen allele CA4265431.

ClinVar aggregate classification (germline): Conflicting classifications of pathogenicity. Review status: criteria provided, conflicting classifications (1 of 4 stars). 2 submissions from 2 submitters: Uncertain significance (1); Likely benign (1). Last evaluated 2026-04-16.

Conditions:
EGFR-related lung cancer (EGFR). Identifiers: MedGen CN130014.
Hereditary cancer-predisposing syndrome. Also called: Hereditary neoplastic syndrome; Neoplastic Syndromes, Hereditary; Tumor predisposition; Hereditary Cancer Syndrome. Identifiers: Orphanet 140162, MedGen C0027672, MeSH D009386, MONDO:0015356.

Allele frequency attached by ClinVar (database versions not stated): gnomAD exomes below 0.00001; ExAC 0.00001.
gnomAD v4.1: 7 of 1,613,782 alleles (0.00043%); highest among the groups gnomAD compares: East Asian, 0.0022%; no homozygotes.

Submissions (2):

Ambry Genetics
Classification: Uncertain significance for Hereditary cancer-predisposing syndrome. Last evaluated: 2026-04-16. Review status: criteria provided, single submitter. Criteria: Ambry Variant Classification Scheme 2023. Collection method: clinical testing. Allele origin: germline.
Comment: The c.987C>T variant (also known as p.C329C), located in coding exon 8 of the EGFR gene, results from a C to T substitution at nucleotide position 987. This nucleotide substitution does not change the amino acid at codon 329. This nucleotide position is poorly conserved in available vertebrate species. In silico splice site analysis for this alteration is inconclusive. Based on the available evidence, the clinical significance of this variant remains unclear.

Labcorp Genetics (formerly Invitae), Labcorp
Classification: Likely benign for EGFR-related lung cancer. Last evaluated: 2025-07-20. Review status: criteria provided, single submitter. Criteria: Invitae Variant Classification Sherloc (09022015). Collection method: clinical testing. Allele origin: germline.